The following is an entry in ClinVar:

NM_201384.3(PLEC):c.5249G>A (p.Arg1750Gln)

Gene: PLEC (plectin; minus strand). Cytogenetic location: 8q24.3.
Variant type: single nucleotide variant.
Coding change: c.5249G>A on transcript NM_201384.3 (MANE Select); coding-DNA position 5249, G replaced by A.
Protein change: p.Arg1750Gln; replaces arginine 1750 with glutamine.
Molecular consequence: missense variant.
Genome position (GRCh38, 1-based): chr8:143,924,680, C>T on the plus strand (G>A on the coding strand, the complement: PLEC is on the minus strand). VCF-style: chr8-143924680-C-T. GRCh37 (hg19) VCF-style: chr8-144998848-C-T.
Other names: c.5330G>A, p.Arg1777Gln (NM_000445.5); c.5207G>A, p.Arg1736Gln (NM_201378.4); c.5183G>A, p.Arg1728Gln (NM_201379.3); c.5660G>A, p.Arg1887Gln (NM_201380.4); c.5153G>A, p.Arg1718Gln (NM_201381.3); c.5249G>A, p.Arg1750Gln (NM_201382.4); c.5261G>A, p.Arg1754Gln (NM_201383.3); short protein forms R1887Q, R1718Q, R1736Q, R1750Q, R1754Q, R1728Q, R1777Q.
Identifiers: ClinVar variation 567663 (VCV000567663.11), dbSNP rs782302326, ClinGen allele CA372548458.

ClinVar aggregate classification (germline): Uncertain significance. Review status: criteria provided, multiple submitters, no conflicts (2 of 4 stars). 2 submissions from 2 submitters: Uncertain significance (2). Last evaluated 2026-01-21.

Conditions:
Epidermolysis bullosa simplex, Ogna type (EBS5A). Also called: Pidermolysis bullosa simplex 5A, Ogna type; EPIDERMOLYSIS BULLOSA SIMPLEX 5A, OGNA TYPE. Identifiers: Orphanet 79401, MedGen C0432317, MONDO:0007555, OMIM 131950.
Autosomal recessive limb-girdle muscular dystrophy type 2Q (LGMDR17). Also called: MUSCULAR DYSTROPHY, LIMB-GIRDLE, AUTOSOMAL RECESSIVE 17. Identifiers: Orphanet 254361, MedGen C3150989, MONDO:0013390, OMIM 613723.
Epidermolysis bullosa simplex 5C, with pyloric atresia (EBS5C). Also called: PLEC-Related Epidermolysis Bullosa with Pyloric Atresia; Epidermolysis bullosa simplex with pyloric atresia; PLEC1-Related Epidermolysis Bullosa with Pyloric Atresia. Identifiers: Orphanet 158684, MedGen C2677349, MONDO:0012807, OMIM 612138.
Epidermolysis bullosa simplex 5B, with muscular dystrophy (EBS5B). Also called: EPIDERMOLYSIS BULLOSA SIMPLEX AND LIMB-GIRDLE MUSCULAR DYSTROPHY; Epidermolysis bullosa simplex with muscular dystrophy. Identifiers: Orphanet 257, MedGen C2931072, MONDO:0009181, OMIM 226670.
Epidermolysis bullosa simplex with nail dystrophy (EBS5D). Identifiers: MedGen C4225309, MONDO:0014661, OMIM 616487.

Allele frequency attached by ClinVar (database versions not stated): TOPMed 0.00002.
gnomAD v4.1: 42 of 1,534,726 alleles (0.0027%); highest among the groups gnomAD compares: South Asian, 0.02%; no homozygotes.

Submissions (2):

Labcorp Genetics (formerly Invitae), Labcorp
Classification: Uncertain significance for Autosomal recessive limb-girdle muscular dystrophy type 2Q; Epidermolysis bullosa simplex, Ogna type; Epidermolysis bullosa simplex with nail dystrophy; Epidermolysis bullosa simplex 5C, with pyloric atresia; Epidermolysis bullosa simplex 5B, with muscular dystrophy. Last evaluated: 2026-01-21. Review status: criteria provided, single submitter. Criteria: Invitae Variant Classification Sherloc (09022015). Collection method: clinical testing. Allele origin: germline.
Comment: This sequence change replaces arginine, which is basic and polar, with glutamine, which is neutral and polar, at codon 1777 of the PLEC protein (p.Arg1777Gln). This variant is present in population databases (no rsID available, gnomAD 0.03%). This variant has not been reported in the literature in individuals affected with PLEC-related conditions. ClinVar contains an entry for this variant (Variation ID: 567663). Experimental studies and prediction algorithms are not available or were not evaluated, and the functional significance of this variant is currently unknown. In summary, the available evidence is currently insufficient to determine the role of this variant in disease. Therefore, it has been classified as a Variant of Uncertain Significance.

Revvity Omics, Revvity
Classification: Uncertain significance. Last evaluated: 2025-02-04. Review status: criteria provided, single submitter. Criteria: ACMG Guidelines, 2015. Collection method: clinical testing. Allele origin: germline.